The following is an entry in ClinVar:

NM_033066.3(MPP4):c.946T>C (p.Trp316Arg)

Gene: MPP4 (MAGUK p55 scaffold protein 4; minus strand). Cytogenetic location: 2q33.1.
Variant type: single nucleotide variant.
Coding change: c.946T>C on transcript NM_033066.3 (MANE Select); coding-DNA position 946, T replaced by C.
Protein change: p.Trp316Arg; replaces tryptophan 316 with arginine.
Molecular consequence: missense variant.
Genome position (GRCh38, 1-based): chr2:201,675,255, A>G on the plus strand (T>C on the coding strand, the complement: MPP4 is on the minus strand). VCF-style: chr2-201675255-A-G. GRCh37 (hg19) VCF-style: chr2-202539978-A-G.
Other names: short protein forms W316R.
Identifiers: ClinVar variation 375383 (VCV000375383.1), dbSNP rs1057519443, ClinGen allele CA16044215.

ClinVar aggregate classification (germline): Pathogenic (0 of 4 stars; one submission).

Conditions:
Seizure. Also called: Seizures. Identifiers: MedGen C0036572, HP:0001250.
High palate. Identifiers: MedGen C0240635, HP:0000218.
Global developmental delay (DD). Also called: Cognitive delay. Identifiers: MedGen C0557874, HP:0001263. Disease mechanism: loss of function.
Intellectual disability. Also called: Intellectual developmental disorder; Intellectual functioning disability; intellectual disabilities. Identifiers: MedGen C3714756, MeSH D008607, MONDO:0001071, HP:0001249.
Strabismus. Identifiers: MedGen C0038379, MONDO:0003432, HP:0000486.
Wide nasal bridge. Identifiers: MedGen C1849367, HP:0000431.
Generalized hypotonia. Identifiers: MedGen C1858120, HP:0001290.

Submission:

Lupski Lab, Baylor-Hopkins CMG, Baylor College of Medicine
Classification: Pathogenic for Global developmental delay; Intellectual disability; Seizure; High palate; Generalized hypotonia; Strabismus; Wide nasal bridge. Review status: no assertion criteria provided. Collection method: research. Allele origin: de novo. Inheritance: Autosomal dominant inheritance. Affected: yes.